The following is an entry in ClinVar:

NM_021146.4(ANGPTL7):c.1005G>C (p.Val335=)

Genes: ANGPTL7 (angiopoietin like 7; plus strand), MTOR (mechanistic target of rapamycin kinase; minus strand). Cytogenetic location: 1p36.22.
Variant type: single nucleotide variant.
Coding change: c.1005G>C on transcript NM_021146.4 (MANE Select); coding-DNA position 1005, G replaced by C.
Protein change: p.Val335=; no amino-acid change (valine 335 retained).
Molecular consequence: synonymous variant. On other transcripts: intron variant (3).
Genome position (GRCh38, 1-based): chr1:11,194,987, G>C. VCF-style: chr1-11194987-G-C. GRCh37 (hg19) VCF-style: chr1-11255044-G-C.
Other names: c.3005+4271C>G (NM_001386501.1); c.4253+4271C>G (NM_004958.4, NM_001386500.1).
Identifiers: ClinVar variation 4083766 (VCV004083766.8).

ClinVar aggregate classification (germline): Likely benign (1 of 4 stars; one submission).

gnomAD v4.1: 31 of 1,614,032 alleles (0.0019%); highest among the groups gnomAD compares: Middle Eastern, 0.25%; 1 homozygote.

Submission:

CeGaT Center for Human Genetics Tuebingen
Classification: Likely benign. Last evaluated: 2025-07-01. Review status: criteria provided, single submitter. Criteria: CeGaT Center For Human Genetics Tuebingen Variant Classification Criteria Version 2. Collection method: clinical testing. Allele origin: germline. Affected: yes. Observed: 1 variant allele.
Comment: ANGPTL7: BP4, BP7